The following is an entry in ClinVar:

NM_020975.6(RET):c.-7_-4del

Genes: RET (ret proto-oncogene; plus strand), LOC106736614 (RET 5' regulatory region; plus strand). Cytogenetic location: 10q11.21.
Variant type: Deletion.
Coding change: c.-7_-4del on transcript NM_020975.6 (MANE Select); 7 bases upstream of the start codon through 4 bases upstream of the start codon, 4 bases deleted (ACGG; older notation c.-7_-4delACGG).
Molecular consequence: 5 prime UTR variant.
Genome position (GRCh38, 1-based): chr10:43,077,252-43,077,255, ACGG deleted. VCF-style (leftmost placement, unchanged base first): chr10-43077251-CACGG-C. GRCh37 (hg19) VCF-style: chr10-43572699-CACGG-C.
Other names: c.-7_-4delACGG (NM_000323.2, NM_001406743.1, NM_001406744.1 and 38 more transcripts).
Identifiers: ClinVar variation 1756637 (VCV001756637.3), dbSNP rs2491932718, ClinGen allele CA2580081454.

ClinVar aggregate classification (germline): Uncertain significance (1 of 4 stars; one submission).

Conditions:
Hereditary cancer-predisposing syndrome. Also called: Neoplastic Syndromes, Hereditary; Tumor predisposition; Hereditary Cancer Syndrome; Hereditary neoplastic syndrome. Identifiers: Orphanet 140162, MedGen C0027672, MeSH D009386, MONDO:0015356.

Allele frequency attached by ClinVar (database versions not stated): gnomAD exomes below 0.00001.

Submission:

Ambry Genetics
Classification: Uncertain significance for Hereditary cancer-predisposing syndrome. Last evaluated: 2025-05-23. Review status: criteria provided, single submitter. Criteria: Ambry Variant Classification Scheme 2023. Collection method: clinical testing. Allele origin: germline.
Comment: The c.-7_-4delACGG variant is located in the 5' untranslated region (5&rsquo;UTR) of the RET gene. This variant results from a deletion of 4 nucleotides from position c.-7 to c.-4 upstream from the first translated codon. These nucleotide positions are well conserved in available vertebrate species. Based on the available evidence, the clinical significance of this variant remains unclear.